The following is an entry in ClinVar:

NC_000023.10:g.(?_118708675)_(119761021_?)dup

Genes: AKAP14 (A-kinase anchoring protein 14; plus strand), ATP1B4 (ATPase Na+/K+ transporting family member beta 4; plus strand), C1GALT1C1 (C1GALT1 specific chaperone 1; minus strand), CUL4B (cullin 4B; minus strand), LAMP2 (lysosome associated membrane protein 2; minus strand) and 15 more. Cytogenetic location: Xq24.
Variant type: Duplication.
Identifiers: ClinVar variation 2427183 (VCV002427183.5).

ClinVar aggregate classification (germline): Uncertain significance (1 of 4 stars; one submission).

Conditions:
Intellectual developmental disorder, X-linked, syndromic 14. Also called: Syndromic X-linked intellectual disability 14. Identifiers: Orphanet 776, MedGen C1970822, MONDO:0010398, OMIM 300676.

Submission:

Labcorp Genetics (formerly Invitae), Labcorp
Classification: Uncertain significance for Intellectual developmental disorder, X-linked, syndromic 14. Last evaluated: 2022-08-25. Review status: criteria provided, single submitter. Criteria: Invitae Variant Classification Sherloc (09022015). Collection method: clinical testing. Allele origin: germline.
Comment: A copy number gain of the genomic region encompassing the full coding sequence of the UPF3B gene has been identified. The boundaries of this event are unknown as they extend beyond the assayed region for this gene and therefore may encompass additional genes. As the precise location of this event is unknown, it may be in tandem or it may be located elsewhere in the genome. This variant has not been reported in the literature in individuals affected with UPF3B-related conditions. In summary, the available evidence is currently insufficient to determine the role of this variant in disease. Therefore, it has been classified as a Variant of Uncertain Significance.